The following is an entry in ClinVar:

ClinVar aggregate classification (germline): Uncertain significance. Review status: criteria provided, multiple submitters, no conflicts (2 of 4 stars). 2 submissions from 2 submitters: Uncertain significance (2). Last evaluated 2023-08-30.

Conditions:
Hereditary cancer-predisposing syndrome. Also called: Neoplastic Syndromes, Hereditary; Hereditary Cancer Syndrome; Hereditary neoplastic syndrome; Tumor predisposition. Identifiers: Orphanet 140162, MedGen C0027672, MeSH D009386, MONDO:0015356.
Microcephaly, normal intelligence and immunodeficiency (NBS). Also called: Microcephaly with normal intelligence immunodeficiency and lymphoreticular malignancies; Nonsyndromal microcephaly autosomal recessive with normal intelligence; Seemanova syndrome 2; Immunodeficiency, microcephaly with normal intelligence; SEEMANOVA SYNDROME II; Ataxia telangiectasia variant V1. Identifiers: Orphanet 647, MedGen C0398791, MONDO:0009623, OMIM 251260.

Submissions (2):

Labcorp Genetics (formerly Invitae), Labcorp
Classification: Uncertain significance for Microcephaly, normal intelligence and immunodeficiency. Last evaluated: 2023-08-30. Review status: criteria provided, single submitter. Criteria: Invitae Variant Classification Sherloc (09022015). Collection method: clinical testing. Allele origin: germline.
Comment: This sequence change replaces serine, which is neutral and polar, with tyrosine, which is neutral and polar, at codon 406 of the NBN protein (p.Ser406Tyr). In summary, the available evidence is currently insufficient to determine the role of this variant in disease. Therefore, it has been classified as a Variant of Uncertain Significance. An algorithm developed to predict the effect of missense changes on protein structure and function (PolyPhen-2) suggests that this variant is likely to be tolerated. ClinVar contains an entry for this variant (Variation ID: 848777). This variant has not been reported in the literature in individuals affected with NBN-related conditions. This variant is not present in population databases (gnomAD no frequency).

Ambry Genetics
Classification: Uncertain significance for Hereditary cancer-predisposing syndrome. Last evaluated: 2020-03-25. Review status: criteria provided, single submitter. Criteria: Ambry Variant Classification Scheme 2023. Collection method: clinical testing. Allele origin: germline.
Comment: The p.S406Y variant (also known as c.1217C>A), located in coding exon 10 of the NBN gene, results from a C to A substitution at nucleotide position 1217. The serine at codon 406 is replaced by tyrosine, an amino acid with dissimilar properties. This amino acid position is not well conserved in available vertebrate species. In addition, this alteration is predicted to be tolerated by in silico analysis. Since supporting evidence is limited at this time, the clinical significance of this alteration remains unclear.

NM_002485.5(NBN):c.1217C>A (p.Ser406Tyr)

Gene: NBN (nibrin; minus strand). Cytogenetic location: 8q21.3.
Variant type: single nucleotide variant.
Coding change: c.1217C>A on transcript NM_002485.5 (MANE Select); coding-DNA position 1217, C replaced by A.
Protein change: p.Ser406Tyr; replaces serine 406 with tyrosine.
Molecular consequence: missense variant.
Genome position (GRCh38, 1-based): chr8:89,955,463, G>T on the plus strand (C>A on the coding strand, the complement: NBN is on the minus strand). VCF-style: chr8-89955463-G-T. GRCh37 (hg19) VCF-style: chr8-90967691-G-T.
Other names: c.971C>A, p.Ser324Tyr (NM_001024688.3); short protein forms S324Y, S406Y.
Identifiers: ClinVar variation 848777 (VCV000848777.10), dbSNP rs1810666233, ClinGen allele CA371656338.